The following is an entry in ClinVar:

ClinVar aggregate classification (germline): Uncertain significance (1 of 4 stars; one submission).

gnomAD v4.1: 7 of 1,613,442 alleles (0.00043%); highest among the groups gnomAD compares: East Asian, 0.0089%; no homozygotes.

Submission:

Labcorp Genetics (formerly Invitae), Labcorp
Classification: Uncertain significance. Last evaluated: 2024-12-03. Review status: criteria provided, single submitter. Criteria: Invitae Variant Classification Sherloc (09022015). Collection method: clinical testing. Allele origin: germline.
Comment: This sequence change replaces arginine, which is basic and polar, with tryptophan, which is neutral and slightly polar, at codon 974 of the MYH7B protein (p.Arg974Trp). This variant is present in population databases (rs568840401, gnomAD 0.006%). This variant has not been reported in the literature in individuals affected with MYH7B-related conditions. Invitae Evidence Modeling of protein sequence and biophysical properties (such as structural, functional, and spatial information, amino acid conservation, physicochemical variation, residue mobility, and thermodynamic stability) indicates that this missense variant is expected to disrupt MYH7B protein function with a positive predictive value of 80%. In summary, the available evidence is currently insufficient to determine the role of this variant in disease. Therefore, it has been classified as a Variant of Uncertain Significance.

NM_020884.7(MYH7B):c.2794C>T (p.Arg932Trp)

Gene: MYH7B (myosin heavy chain 7B; plus strand). Cytogenetic location: 20q11.22.
Variant type: single nucleotide variant.
Coding change: c.2794C>T on transcript NM_020884.7 (MANE Select); coding-DNA position 2794, C replaced by T.
Protein change: p.Arg932Trp; replaces arginine 932 with tryptophan.
Molecular consequence: missense variant.
Genome position (GRCh38, 1-based): chr20:34,995,429, C>T. VCF-style: chr20-34995429-C-T. GRCh37 (hg19) VCF-style: chr20-33583232-C-T.
Other names: short protein forms R932W.
Identifiers: ClinVar variation 3694922 (VCV003694922.2).